The following is an entry in ClinVar:

ClinVar aggregate classification (germline): Benign (1 of 4 stars; one submission).

Submission:

CeGaT Center for Human Genetics Tuebingen
Classification: Benign. Last evaluated: 2022-08-01. Review status: criteria provided, single submitter. Criteria: CeGaT Center For Human Genetics Tuebingen Variant Classification Criteria Version 2. Collection method: clinical testing. Allele origin: germline. Affected: yes. Observed: 1 variant allele.
Comment: BRD4: BS1, BS2

NM_001379291.1(BRD4):c.2158+2712_2158+2713dup

Gene: BRD4 (bromodomain containing 4; minus strand). Cytogenetic location: 19p13.12.
Variant type: Duplication.
Coding change: c.2158+2712_2158+2713dup on transcript NM_001379291.1 (MANE Select); bases 2712 to 2713 of the intron after coding-DNA position 2158, 2 bases duplicated (CC; older notation c.2158+2712_2158+2713dupCC).
Molecular consequence: intron variant.
Genome position (GRCh38, 1-based): chr19:15,251,439-15,251,440, GG duplicated on the plus strand (CC on the coding strand, the reverse complement: BRD4 is on the minus strand); duplicating any 2 consecutive bases within chr19:15,251,439-15,251,455 gives the same sequence; the c. name uses the placement nearest the transcript's 3' end. VCF-style (leftmost placement, unchanged base first): chr19-15251438-C-CGG. GRCh37 (hg19) VCF-style: chr19-15362249-C-CGG.
Other names: c.2158+2712_2158+2713dup (NM_058243.3); c.2159-2150_2159-2149dup (NM_001379292.1, NM_014299.3).
Identifiers: ClinVar variation 2649468 (VCV002649468.24), dbSNP rs1197390019, ClinGen allele CA993903366.